The following is an entry in ClinVar:

ClinVar aggregate classification (germline): Uncertain significance (1 of 4 stars; one submission).

Allele frequency attached by ClinVar (database versions not stated): gnomAD exomes below 0.00001.
gnomAD v4.1: 2 of 1,614,184 alleles (0.00012%); highest among the groups gnomAD compares: Non-Finnish European, 0.00017%; no homozygotes.

Submission:

GeneDx
Classification: Uncertain significance. Last evaluated: 2022-09-06. Review status: criteria provided, single submitter. Criteria: GeneDx Variant Classification Process June 2021. Collection method: clinical testing. Allele origin: germline. Affected: yes.
Comment: Not observed at significant frequency in large population cohorts (gnomAD); In silico analysis supports that this missense variant has a deleterious effect on protein structure/function; Occurs in the triple helical domain at the X position in the canonical Gly-X-Y repeat; although this variant may have an effect on normal protein folding and function, missense substitution at the X position is not a common mechanism of disease; Has not been previously published as pathogenic or benign to our knowledge

NM_000092.5(COL4A4):c.2971G>C (p.Asp991His)

Gene: COL4A4 (collagen type IV alpha 4 chain; minus strand). Cytogenetic location: 2q36.3.
Variant type: single nucleotide variant.
Coding change: c.2971G>C on transcript NM_000092.5 (MANE Select); coding-DNA position 2971, G replaced by C.
Protein change: p.Asp991His; replaces aspartic acid 991 with histidine.
Molecular consequence: missense variant.
Genome position (GRCh38, 1-based): chr2:227,051,156, C>G on the plus strand (G>C on the coding strand, the complement: COL4A4 is on the minus strand). VCF-style: chr2-227051156-C-G. GRCh37 (hg19) VCF-style: chr2-227915872-C-G.
Other names: short protein forms D991H.
Identifiers: ClinVar variation 2442684 (VCV002442684.1), dbSNP rs2473976065, ClinGen allele CA350839301.
Genomic context (GRCh38, chr2:227,051,156, plus strand): 5'-CAGGTGGTCCGTATCTTCCCGGCTCTCCTCTTCTCCCTTGCATCCCGGGAGTTCCTTTAT[C>G]ACCTGATGAAGTTGGAAGTGTTACAGGTCTCTGCTGAAATTTTGAGCTAGGTAATAGTTA-3'
Protein context (NP_000083.3, residues 981-1001): GDDGFPGERG[Asp991His]KGTPGMQGRR